The following is an entry in ClinVar:

ClinVar aggregate classification (germline): Uncertain significance (1 of 4 stars; one submission).

Submission:

Labcorp Genetics (formerly Invitae), Labcorp
Classification: Uncertain significance. Last evaluated: 2025-07-27. Review status: criteria provided, single submitter. Criteria: Invitae Variant Classification Sherloc (09022015). Collection method: clinical testing. Allele origin: germline.
Comment: This sequence change replaces proline, which is neutral and non-polar, with threonine, which is neutral and polar, at codon 113 of the POC5 protein (p.Pro113Thr). This variant is not present in population databases (gnomAD no frequency). This variant has not been reported in the literature in individuals affected with POC5-related conditions. ClinVar contains an entry for this variant (Variation ID: 2700463). An algorithm developed to predict the effect of missense changes on protein structure and function (PolyPhen-2) suggests that this variant is likely to be tolerated. In summary, the available evidence is currently insufficient to determine the role of this variant in disease. Therefore, it has been classified as a Variant of Uncertain Significance.

NM_001099271.2(POC5):c.337C>A (p.Pro113Thr)

Gene: POC5 (POC5 centriolar protein; minus strand). Cytogenetic location: 5q13.3.
Variant type: single nucleotide variant.
Coding change: c.337C>A on transcript NM_001099271.2 (MANE Select); coding-DNA position 337, C replaced by A.
Protein change: p.Pro113Thr; replaces proline 113 with threonine.
Molecular consequence: missense variant.
Genome position (GRCh38, 1-based): chr5:75,702,781, G>T on the plus strand (C>A on the coding strand, the complement: POC5 is on the minus strand). VCF-style: chr5-75702781-G-T. GRCh37 (hg19) VCF-style: chr5-74998606-G-T.
Other names: c.262C>A, p.Pro88Thr (NM_152408.3); short protein forms P88T, P113T.
Identifiers: ClinVar variation 2700463 (VCV002700463.3), dbSNP rs79392300, ClinGen allele CA360149972.
Genomic context (GRCh38, chr5:75,702,781, plus strand): 5'-CTGGTGAGGAAGAGTCAGCTAAAAGATGTGAACTGAAAAAATCCATGACTGGGTGAGAAG[G>T]CTTCCTTGGCGATAACACTGGTGATGACTCTGAATAAAAGAAAAGTTGTAGCTGTCAAGC-3'
Protein context (NP_001092741.1, residues 103-123): ESSPVLSPRK[Pro113Thr]SHPVMDFFSS